The following is an entry in ClinVar:

ClinVar aggregate classification (germline): Uncertain significance. Review status: criteria provided, multiple submitters, no conflicts (2 of 4 stars). 2 submissions from 2 submitters: Uncertain significance (2). Last evaluated 2024-05-28.

Conditions:
Inborn genetic diseases. Identifiers: MedGen C0950123, MeSH D030342.
Ornithine aminotransferase deficiency (GACR). Also called: HYPERORNITHINEMIA WITH GYRATE ATROPHY OF CHOROID AND RETINA; OAT DEFICIENCY; Ornithine ketoacid aminotransferase deficiency; Gyrate atrophy; Gyrate atrophy of choroid and retina; Girate atrophy of the retina. Identifiers: Orphanet 414, MedGen C0018425, MONDO:0009796, OMIM 258870.

Submissions (2):

Ambry Genetics
Classification: Uncertain significance for Inborn genetic diseases. Last evaluated: 2024-05-28. Review status: criteria provided, single submitter. Criteria: Ambry Variant Classification Scheme 2023. Collection method: clinical testing. Allele origin: germline.

Labcorp Genetics (formerly Invitae), Labcorp
Classification: Uncertain significance for Ornithine aminotransferase deficiency. Last evaluated: 2022-10-11. Review status: criteria provided, single submitter. Criteria: Invitae Variant Classification Sherloc (09022015). Collection method: clinical testing. Allele origin: germline.
Comment: This sequence change replaces tryptophan, which is neutral and slightly polar, with arginine, which is basic and polar, at codon 156 of the OAT protein (p.Trp156Arg). This variant is not present in population databases (gnomAD no frequency). This variant has not been reported in the literature in individuals affected with OAT-related conditions. Advanced modeling of protein sequence and biophysical properties (such as structural, functional, and spatial information, amino acid conservation, physicochemical variation, residue mobility, and thermodynamic stability) performed at Invitae indicates that this missense variant is expected to disrupt OAT protein function. In summary, the available evidence is currently insufficient to determine the role of this variant in disease. Therefore, it has been classified as a Variant of Uncertain Significance.

NM_000274.4(OAT):c.466T>A (p.Trp156Arg)

Gene: OAT (ornithine aminotransferase; minus strand). Cytogenetic location: 10q26.13.
Variant type: single nucleotide variant.
Coding change: c.466T>A on transcript NM_000274.4 (MANE Select); coding-DNA position 466, T replaced by A.
Protein change: p.Trp156Arg; replaces tryptophan 156 with arginine.
Molecular consequence: missense variant. On other transcripts: 5 prime UTR variant (1), intron variant (1).
Genome position (GRCh38, 1-based): chr10:124,408,596, A>T on the plus strand (T>A on the coding strand, the complement: OAT is on the minus strand). VCF-style: chr10-124408596-A-T. GRCh37 (hg19) VCF-style: chr10-126097165-A-T.
Other names: c.52T>A, p.Trp18Arg (NM_001171814.2); c.466T>A, p.Trp156Arg (NM_001322965.2, NM_001322966.2, NM_001322967.2 and 3 more transcripts); c.-249T>A (NM_001322974.2); c.200-3033T>A (NM_001322971.2); short protein forms W156R, W18R.
Identifiers: ClinVar variation 1721437 (VCV001721437.6), dbSNP rs2494500617, ClinGen allele CA378636999.